The following is an entry in ClinVar:

NM_020338.4(ZMIZ1):c.3188T>C (p.Leu1063Pro)

Gene: ZMIZ1 (zinc finger MIZ-type containing 1; plus strand). Cytogenetic location: 10q22.3.
Variant type: single nucleotide variant.
Coding change: c.3188T>C on transcript NM_020338.4 (MANE Select); coding-DNA position 3188, T replaced by C.
Protein change: p.Leu1063Pro; replaces leucine 1063 with proline.
Molecular consequence: missense variant.
Genome position (GRCh38, 1-based): chr10:79,312,733, T>C. VCF-style: chr10-79312733-T-C. GRCh37 (hg19) VCF-style: chr10-81072490-T-C.
Other names: short protein forms L1063P.
Identifiers: ClinVar variation 3764365 (VCV003764365.1).

ClinVar aggregate classification (germline): Uncertain significance (1 of 4 stars; one submission).

Submission:

GeneDx
Classification: Uncertain significance. Last evaluated: 2024-08-19. Review status: criteria provided, single submitter. Criteria: GeneDx Variant Classification Process June 2021. Collection method: clinical testing. Allele origin: germline. Affected: yes.
Comment: Not observed at significant frequency in large population cohorts (gnomAD); In silico analysis supports that this missense variant has a deleterious effect on protein structure/function; Has not been previously published as pathogenic or benign to our knowledge